The following is an entry in ClinVar:

ClinVar aggregate classification (germline): Pathogenic (1 of 4 stars; one submission).

Conditions:
Curry-Hall syndrome (WAD). Also called: WEYERS ACRODENTAL DYSOSTOSIS. Identifiers: Orphanet 952, MedGen C0457013, MONDO:0008673, OMIM 193530.
Ellis-van Creveld syndrome (EVC). Also called: EVC-Related Ellis-van Creveld Syndrome; EVC2-Related Ellis-van Creveld Syndrome; MESOECTODERMAL DYSPLASIA; Chondroectodermal dysplasia. Identifiers: Orphanet 289, MedGen C0013903, MONDO:0009162, OMIM 225500.

Submission:

Labcorp Genetics (formerly Invitae), Labcorp
Classification: Pathogenic for Curry-Hall syndrome; Ellis-van Creveld syndrome. Last evaluated: 2022-05-22. Review status: criteria provided, single submitter. Criteria: Invitae Variant Classification Sherloc (09022015). Collection method: clinical testing. Allele origin: germline.
Comment: For these reasons, this variant has been classified as Pathogenic. This variant has not been reported in the literature in individuals affected with EVC2-related conditions. This variant is not present in population databases (gnomAD no frequency). This sequence change creates a premature translational stop signal (p.His717Profs*21) in the EVC2 gene. It is expected to result in an absent or disrupted protein product. Loss-of-function variants in EVC2 are known to be pathogenic (PMID: 17024374, 19810119, 19876929).

Literature cited by the submitters: PubMed 17024374; PubMed 19810119; PubMed 19876929.

NM_147127.5(EVC2):c.2150_2156del (p.His717fs)

Gene: EVC2 (EvC ciliary complex subunit 2; minus strand). Cytogenetic location: 4p16.2.
Variant type: Deletion.
Coding change: c.2150_2156del on transcript NM_147127.5 (MANE Select); coding-DNA positions 2150 to 2156, 7 bases deleted (ACGGTGC; older notation c.2150_2156delACGGTGC).
Protein change: p.His717fs; shifts the reading frame from histidine 717.
Molecular consequence: frameshift variant.
Genome position (GRCh38, 1-based): chr4:5,622,882-5,622,888, GCACCGT deleted on the plus strand (ACGGTGC on the coding strand, the reverse complement: EVC2 is on the minus strand); deleting any 7 consecutive bases within chr4:5,622,882-5,622,890 gives the same sequence; the c. name uses the placement nearest the transcript's 3' end. VCF-style (leftmost placement, unchanged base first): chr4-5622881-GGCACCGT-G. GRCh37 (hg19) VCF-style: chr4-5624608-GGCACCGT-G.
Other names: c.1910_1916del, p.His637fs (NM_001166136.2); short protein forms H637fs, H717fs.
Identifiers: ClinVar variation 1998099 (VCV001998099.4), dbSNP rs1560172761, ClinGen allele CA917119027.